The following is an entry in ClinVar:

NM_000255.4(MMUT):c.1568C>G (p.Ser523Cys)

Gene: MMUT (methylmalonyl-CoA mutase; minus strand). Cytogenetic location: 6p12.3.
Variant type: single nucleotide variant.
Coding change: c.1568C>G on transcript NM_000255.4 (MANE Select); coding-DNA position 1568, C replaced by G.
Protein change: p.Ser523Cys; replaces serine 523 with cysteine.
Molecular consequence: missense variant.
Genome position (GRCh38, 1-based): chr6:49,444,747, G>C on the plus strand (C>G on the coding strand, the complement: MMUT is on the minus strand). VCF-style: chr6-49444747-G-C. GRCh37 (hg19) VCF-style: chr6-49412460-G-C.
Other names: short protein forms S523C.
Identifiers: ClinVar variation 2589076 (VCV002589076.3), dbSNP rs570658958, ClinGen allele CA3846814.

ClinVar aggregate classification (germline): Uncertain significance. Review status: criteria provided, multiple submitters, no conflicts (2 of 4 stars). 2 submissions from 2 submitters: Uncertain significance (2). Last evaluated 2025-07-10.

Conditions:
Methylmalonic aciduria due to methylmalonyl-CoA mutase deficiency (MAMM). Also called: Methylmalonic aciduria, mut type. Identifiers: Orphanet 27, MedGen C1855114, MONDO:0009612, OMIM 251000.

Allele frequency attached by ClinVar (database versions not stated): gnomAD 0.00008.
gnomAD v4.1: 91 of 1,611,542 alleles (0.0056%); highest among the groups gnomAD compares: Non-Finnish European, 0.0076%; no homozygotes.

Submissions (2):

ARUP Laboratories, Molecular Genetics and Genomics, ARUP Laboratories
Classification: Uncertain significance for Methylmalonic aciduria due to methylmalonyl-CoA mutase deficiency. Last evaluated: 2025-07-10. Review status: criteria provided, single submitter. Criteria: ARUP Molecular Germline Variant Investigation Process 2024. Collection method: clinical testing. Allele origin: germline.
Comment: The MMUT c.1568C>G; p.Ser523Cys variant (rs570658958), to our knowledge, is not reported in the medical literature but is reported in ClinVar (Variation ID: 2589076). This variant is found in the non-Finnish European population with an allele frequency of 0.011% (14/128,394 alleles) in the Genome Aggregation Database (v2.1.1). Computational analyses are uncertain whether this variant is neutral or deleterious (REVEL: 0.45). Due to limited information, the clinical significance of this variant is uncertain at this time.

Ambry Genetics
Classification: Uncertain significance. Last evaluated: 2023-08-15. Review status: criteria provided, single submitter. Criteria: Ambry Variant Classification Scheme 2023. Collection method: clinical testing. Allele origin: germline.